The following is an entry in ClinVar:

NM_001379110.1(SLC9A6):c.-56-34A>G

Gene: SLC9A6 (solute carrier family 9 member A6; plus strand). Cytogenetic location: Xq26.3.
Variant type: single nucleotide variant.
Coding change: c.-56-34A>G on transcript NM_001379110.1 (MANE Select); 34 bases into the intron before 56 bases upstream of the start codon, A replaced by G.
Molecular consequence: intron variant. On other transcripts: missense variant (2).
Genome position (GRCh38, 1-based): chrX:135,985,569, A>G. VCF-style: chrX-135985569-A-G. GRCh37 (hg19) VCF-style: chrX-135067728-A-G.
Other names: p.R23G:AGG>GGG; c.67A>G, p.Arg23Gly (NM_001042537.2, NM_006359.3); c.-56-34A>G (NM_001177651.2, NM_001330652.2); short protein forms R23G.
Identifiers: ClinVar variation 207235 (VCV000207235.1), dbSNP rs796053277, ClinGen allele CA318507.
Genomic context (GRCh38, chrX:135,985,569, plus strand): 5'-CGGCGCGGCTGGCGGCGGGCACCCCTCCGCCGTGGCGTCGGCAGCAGTCCCCGAGCCCGC[A>G]GGCTCATGCGGCCCCTTTGGTTGCTCCTCGCAGTGGGCGTCTTTGACTGGGCAGGGGCTT-3'

ClinVar aggregate classification (germline): Uncertain significance (1 of 4 stars; one submission).

Allele frequency attached by ClinVar (database versions not stated): gnomAD exomes 0.00001.
gnomAD v4.1: 7 of 1,199,059 alleles (0.00058%); highest among the groups gnomAD compares: Non-Finnish European, 0.00079%; no homozygotes.

Submission:

GeneDx
Classification: Uncertain significance. Last evaluated: 2012-10-31. Review status: criteria provided, single submitter. Criteria: GeneDx Variant Classification (06012015). Collection method: clinical testing. Allele origin: germline. Affected: yes.
Comment: p.Arg23Gly (AGG>GGG):c.67 A>G in exon 1 of the SLC9A6 gene (NM_006359.2) The Arg23Gly missense change has not been published as a mutation, nor has it been reported as a benign polymorphism to our knowledge. The NHLBI ESP Exome Variant Project has not identified Arg23Gly in approximately 6,000 individuals of European or African American ethnicity, indicating that it is not a common benign variant in these populations. The amino acid substitution is non-conservative as a positively charged, polar Arginine residue is replaced by a uncharged, non-polar Glycine residue. However, Arg23Gly alters a position in the SLC9A6 protein that is poorly conserved across species, and multiple in silico algorithms classify it as a benign change. In addition, SLC9A6 mutations typically cause only behavioral and learning abnormalities and not epilepsy in female carriers. The currently available evidence suggests that Arg23Gly is likely a rare benign change, although the possibility that it is associated with epilepsy cannot be excluded without further studies. The variant is found in INFANT-EPI panel(s).